The following is an entry in ClinVar:

NM_182961.4(SYNE1):c.10450G>A (p.Val3484Ile)

Gene: SYNE1 (spectrin repeat containing nuclear envelope protein 1; minus strand). Cytogenetic location: 6q25.2.
Variant type: single nucleotide variant.
Coding change: c.10450G>A on transcript NM_182961.4 (MANE Select); coding-DNA position 10450, G replaced by A.
Protein change: p.Val3484Ile; replaces valine 3484 with isoleucine.
Molecular consequence: missense variant.
Genome position (GRCh38, 1-based): chr6:152,358,531, C>T on the plus strand (G>A on the coding strand, the complement: SYNE1 is on the minus strand). VCF-style: chr6-152358531-C-T. GRCh37 (hg19) VCF-style: chr6-152679666-C-T.
Other names: c.10471G>A, p.Val3491Ile (NM_033071.5); short protein forms V3491I, V3484I.
Identifiers: ClinVar variation 1909503 (VCV001909503.4), dbSNP rs550088683, ClinGen allele CA4056945.

ClinVar aggregate classification (germline): Uncertain significance. Review status: criteria provided, multiple submitters, no conflicts (2 of 4 stars). 2 submissions from 2 submitters: Uncertain significance (2). Last evaluated 2024-05-07.

Conditions:
Emery-Dreifuss muscular dystrophy 4, autosomal dominant (EDMD4). Also called: EMERY-DREIFUSS MUSCULAR DYSTROPHY 4 WITH VARIABLE FEATURES. Identifiers: Orphanet 261, MedGen C2751807, MONDO:0013071, OMIM 612998.
Autosomal recessive ataxia, Beauce type. Also called: SYNE1-Related Autosomal Recessive Cerebellar Ataxia; SYNE1 Deficiency; Spinocerebellar ataxia, autosomal recessive 8; ATAXIA, RECESSIVE, OF BEAUCE. Identifiers: Orphanet 88644, MedGen C1853116, MONDO:0012549, OMIM 610743.

Allele frequency attached by ClinVar (database versions not stated): TOPMed 0.00002; ExAC 0.00003; gnomAD 0.00005; 1000 Genomes Project 30x 0.00016; 1000 Genomes Project 0.00020.
gnomAD v4.1: 39 of 1,614,048 alleles (0.0024%); highest among the groups gnomAD compares: South Asian, 0.015%; no homozygotes.

Submissions (2):

Revvity Omics, Revvity
Classification: Uncertain significance. Last evaluated: 2024-05-07. Review status: criteria provided, single submitter. Criteria: ACMG Guidelines, 2015. Collection method: clinical testing. Allele origin: germline.

Labcorp Genetics (formerly Invitae), Labcorp
Classification: Uncertain significance for Emery-Dreifuss muscular dystrophy 4, autosomal dominant; Autosomal recessive ataxia, Beauce type. Last evaluated: 2022-03-15. Review status: criteria provided, single submitter. Criteria: Invitae Variant Classification Sherloc (09022015). Collection method: clinical testing. Allele origin: germline.
Comment: In summary, the available evidence is currently insufficient to determine the role of this variant in disease. Therefore, it has been classified as a Variant of Uncertain Significance. Algorithms developed to predict the effect of missense changes on protein structure and function are either unavailable or do not agree on the potential impact of this missense change (SIFT: "Deleterious"; PolyPhen-2: "Benign"; Align-GVGD: "Class C25"). This variant has not been reported in the literature in individuals affected with SYNE1-related conditions. This variant is present in population databases (rs550088683, gnomAD 0.02%). This sequence change replaces valine, which is neutral and non-polar, with isoleucine, which is neutral and non-polar, at codon 3491 of the SYNE1 protein (p.Val3491Ile).